The following is an entry in ClinVar:

NM_002599.5(PDE2A):c.1191C>T (p.Leu397=)

Genes: PDE2A (phosphodiesterase 2A; minus strand), PDE2A-AS2 (PDE2A antisense RNA 2; plus strand). Cytogenetic location: 11q13.4.
Variant type: single nucleotide variant.
Coding change: c.1191C>T on transcript NM_002599.5 (MANE Select); coding-DNA position 1191, C replaced by T.
Protein change: p.Leu397=; no amino-acid change (leucine 397 retained).
Molecular consequence: synonymous variant.
Genome position (GRCh38, 1-based): chr11:72,585,585, G>A on the plus strand (C>T on the coding strand, the complement: PDE2A is on the minus strand). VCF-style: chr11-72585585-G-A. GRCh37 (hg19) VCF-style: chr11-72296629-G-A.
Other names: c.1170C>T, p.Leu390= (NM_001143839.4); c.1164C>T, p.Leu388= (NM_001146209.3); c.1128C>T, p.Leu376= (NM_001243784.2).
Identifiers: ClinVar variation 2984235 (VCV002984235.5), dbSNP rs775502088, ClinGen allele CA6172274.

ClinVar aggregate classification (germline): Likely benign. Review status: criteria provided, multiple submitters, no conflicts (2 of 4 stars). 2 submissions from 2 submitters: Likely benign (2). Last evaluated 2026-04-01.

Allele frequency attached by ClinVar (database versions not stated): TOPMed 0.00002; ExAC 0.00003.
gnomAD v4.1: 9 of 1,614,082 alleles (0.00056%); highest among the groups gnomAD compares: Admixed American, 0.013%; no homozygotes.

Submissions (2):

CeGaT Center for Human Genetics Tuebingen
Classification: Likely benign. Last evaluated: 2026-04-01. Review status: criteria provided, single submitter. Criteria: CeGaT Center For Human Genetics Tuebingen Variant Classification Criteria Version 2. Collection method: clinical testing. Allele origin: germline. Affected: yes. Observed: 1 variant allele.
Comment: PDE2A: BP4, BP7

Labcorp Genetics (formerly Invitae), Labcorp
Classification: Likely benign. Last evaluated: 2024-05-15. Review status: criteria provided, single submitter. Criteria: Invitae Variant Classification Sherloc (09022015). Collection method: clinical testing. Allele origin: germline.